The following is an entry in ClinVar:

ClinVar aggregate classification (germline): Uncertain significance (1 of 4 stars; one submission).

Allele frequency attached by ClinVar (database versions not stated): gnomAD exomes below 0.00001; gnomAD 0.00001.
gnomAD v4.1: 2 of 1,612,614 alleles (0.00012%); highest among the groups gnomAD compares: African/African-American, 0.0013%; no homozygotes.

Submission:

Labcorp Genetics (formerly Invitae), Labcorp
Classification: Uncertain significance. Last evaluated: 2021-08-09. Review status: criteria provided, single submitter. Criteria: Invitae Variant Classification Sherloc (09022015). Collection method: clinical testing. Allele origin: germline.
Comment: In summary, the available evidence is currently insufficient to determine the role of this variant in disease. Therefore, it has been classified as a Variant of Uncertain Significance. Algorithms developed to predict the effect of missense changes on protein structure and function (SIFT, PolyPhen-2, Align-GVGD) all suggest that this variant is likely to be tolerated. This variant has not been reported in the literature in individuals affected with SAMD11-related conditions. This variant is not present in population databases (ExAC no frequency). This sequence change replaces alanine with valine at codon 653 of the SAMD11 protein (p.Ala653Val). The alanine residue is weakly conserved and there is a small physicochemical difference between alanine and valine.

NM_001385641.1(SAMD11):c.2447C>T (p.Ala816Val)

Gene: SAMD11 (sterile alpha motif domain containing 11; plus strand). Cytogenetic location: 1p36.33.
Variant type: single nucleotide variant.
Coding change: c.2447C>T on transcript NM_001385641.1 (MANE Select); coding-DNA position 2447, C replaced by T.
Protein change: p.Ala816Val; replaces alanine 816 with valine.
Molecular consequence: missense variant.
Genome position (GRCh38, 1-based): chr1:944,065, C>T. VCF-style: chr1-944065-C-T. GRCh37 (hg19) VCF-style: chr1-879445-C-T.
Other names: c.2450C>T, p.Ala817Val (NM_001385640.1); c.1958C>T, p.Ala653Val (NM_152486.4); short protein forms A816V, A653V, A817V.
Identifiers: ClinVar variation 1473255 (VCV001473255.6), dbSNP rs1317734885, ClinGen allele CA337819425.
Genomic context (GRCh38, chr1:944,065, plus strand): 5'-GCACAGGAGAGCAGCCCTTGTCCCCCACGACGGCCACGTCCCCCTATGGAGGGGGCCACG[C>T]CCTTGCCGGTCAAACTTCACCCAAGCAGGAGAATGGGACCTTGGCTCTACTTCCAGGGGC-3'
Protein context (NP_001372570.1, residues 806-826): TATSPYGGGH[Ala816Val]LAGQTSPKQE